The following is an entry in ClinVar:

NM_000222.3(KIT):c.2072G>C (p.Cys691Ser)

Gene: KIT (KIT proto-oncogene, receptor tyrosine kinase; plus strand). Cytogenetic location: 4q12.
Variant type: single nucleotide variant.
Coding change: c.2072G>C on transcript NM_000222.3 (MANE Select); coding-DNA position 2072, G replaced by C.
Protein change: p.Cys691Ser; replaces cysteine 691 with serine.
Molecular consequence: missense variant.
Genome position (GRCh38, 1-based): chr4:54,729,416, G>C. VCF-style: chr4-54729416-G-C. GRCh37 (hg19) VCF-style: chr4-55595582-G-C.
Other names: c.2060G>C, p.Cys687Ser (NM_001093772.2, NM_001385286.1); c.2075G>C, p.Cys692Ser (NM_001385284.1, NM_001385290.1); c.2072G>C, p.Cys691Ser (NM_001385285.1); c.2063G>C, p.Cys688Ser (NM_001385288.1, NM_001385292.1); short protein forms C687S, C691S, C688S, C692S.
Identifiers: ClinVar variation 954606 (VCV000954606.12), dbSNP rs35200131, ClinGen allele CA96877040.

ClinVar aggregate classification (germline): Uncertain significance. Review status: criteria provided, multiple submitters, no conflicts (2 of 4 stars). 4 submissions from 4 submitters: Uncertain significance (4). Last evaluated 2026-02-02.

Conditions:
Hereditary cancer-predisposing syndrome. Also called: Hereditary neoplastic syndrome; Neoplastic Syndromes, Hereditary; Hereditary Cancer Syndrome; Tumor predisposition. Identifiers: Orphanet 140162, MedGen C0027672, MeSH D009386, MONDO:0015356.
Gastrointestinal stromal tumor. Also called: Gastrointestinal stromal tumor, somatic; Gastrointestinal stroma tumor. Identifiers: Orphanet 44890, MedGen C0238198, MeSH D046152, MONDO:0011719, OMIM 606764, HP:0100723.

Allele frequency attached by ClinVar (database versions not stated): gnomAD exomes below 0.00001 and 0.00001; TOPMed below 0.00001; gnomAD 0.00001.
gnomAD v4.1: 10 of 1,613,612 alleles (0.00062%); highest among the groups gnomAD compares: Admixed American, 0.0017%; no homozygotes.

Submissions (4):

Labcorp Genetics (formerly Invitae), Labcorp
Classification: Uncertain significance for Gastrointestinal stromal tumor. Last evaluated: 2026-02-02. Review status: criteria provided, single submitter. Criteria: Invitae Variant Classification Sherloc (09022015). Collection method: clinical testing. Allele origin: germline.
Comment: This sequence change replaces cysteine, which is neutral and slightly polar, with serine, which is neutral and polar, at codon 691 of the KIT protein (p.Cys691Ser). This variant is present in population databases (rs35200131, gnomAD 0.0009%). This variant has not been reported in the literature in individuals affected with KIT-related conditions. ClinVar contains an entry for this variant (Variation ID: 954606). An algorithm developed to predict the effect of missense changes on protein structure and function (PolyPhen-2) suggests that this variant is likely to be disruptive. In summary, the available evidence is currently insufficient to determine the role of this variant in disease. Therefore, it has been classified as a Variant of Uncertain Significance.

Ambry Genetics
Classification: Uncertain significance for Hereditary cancer-predisposing syndrome. Last evaluated: 2024-12-14. Review status: criteria provided, single submitter. Criteria: Ambry Variant Classification Scheme 2023. Collection method: clinical testing. Allele origin: germline.
Comment: The p.C691S variant (also known as c.2072G>C), located in coding exon 14 of the KIT gene, results from a G to C substitution at nucleotide position 2072. The cysteine at codon 691 is replaced by serine, an amino acid with dissimilar properties. This amino acid position is not well conserved in available vertebrate species. In addition, the in silico prediction for this alteration is inconclusive. Based on the available evidence, the clinical significance of this variant remains unclear.

Baylor Genetics
Classification: Uncertain significance for Gastrointestinal stromal tumor. Last evaluated: 2023-06-15. Review status: criteria provided, single submitter. Criteria: ACMG Guidelines, 2015. Collection method: clinical testing. Allele origin: unknown.

GeneDx
Classification: Uncertain significance. Last evaluated: 2022-09-15. Review status: criteria provided, single submitter. Criteria: GeneDx Variant Classification Process June 2021. Collection method: clinical testing. Allele origin: germline. Affected: yes.
Comment: Not observed at significant frequency in large population cohorts (gnomAD); In silico analysis supports that this missense variant has a deleterious effect on protein structure/function; Has not been previously published as pathogenic or benign to our knowledge; This variant is associated with the following publications: (PMID: 26986070)